The following is an entry in ClinVar:

ClinVar aggregate classification (germline): Likely pathogenic (1 of 4 stars; one submission).

Conditions:
Alport syndrome. Also called: Hemorrhagic familial nephritis; Hemorrhagic hereditary nephritis; Congenital hereditary hematuria. Identifiers: Orphanet 63, MedGen C1567741, MONDO:0018965.

Submission:

Natera, Inc.
Classification: Likely pathogenic for Alport syndrome. Last evaluated: 2024-03-14. Review status: criteria provided, single submitter. Criteria: Natera Variant Classification Schema (03/2026). Collection method: clinical testing. Allele origin: germline.
Comment: The c.1005delG variant in COL4A4 is a frameshift variant predicted to shift the reading frame beginning at codon 336 and leads to a stop codon 4 codons downstream. This variant is expected to result in nonsense mediated decay, truncation, or a dysfunctional protein product. This variant is rare in the general population with a frequency below the threshold expected for the associated phenotype(s). Given the available evidence, this variant is classified as Likely Pathogenic.

NM_000092.5(COL4A4):c.1005del (p.Leu336fs)

Gene: COL4A4 (collagen type IV alpha 4 chain; minus strand). Cytogenetic location: 2q36.3.
Variant type: Deletion.
Coding change: c.1005del on transcript NM_000092.5 (MANE Select); coding-DNA position 1005, one base deleted (G; older notation c.1005delG).
Protein change: p.Leu336fs; shifts the reading frame from leucine 336.
Molecular consequence: frameshift variant.
Genome position (GRCh38, 1-based): chr2:227,101,528, C deleted on the plus strand (G on the coding strand, the reverse complement: COL4A4 is on the minus strand); the first of 3 consecutive C bases (chr2:227,101,528-227,101,530); deleting any one gives the same sequence. VCF-style (leftmost placement, unchanged base first): chr2-227101527-GC-G. GRCh37 (hg19) VCF-style: chr2-227966243-GC-G.
Other names: c.1005delG (NM_000092.4); short protein forms L336fs.
Identifiers: ClinVar variation 4817284 (VCV004817284.1).